The following is an entry in ClinVar:

NM_006231.4(POLE):c.4551+5G>A

Gene: POLE (DNA polymerase epsilon, catalytic subunit; minus strand). Cytogenetic location: 12q24.33.
Variant type: single nucleotide variant.
Coding change: c.4551+5G>A on transcript NM_006231.4 (MANE Select); 5 bases into the intron after coding-DNA position 4551, G replaced by A.
Molecular consequence: intron variant.
Genome position (GRCh38, 1-based): chr12:132,643,219, C>T on the plus strand (G>A on the coding strand, the complement: POLE is on the minus strand). VCF-style: chr12-132643219-C-T. GRCh37 (hg19) VCF-style: chr12-133219805-C-T.
Identifiers: ClinVar variation 3698363 (VCV003698363.2).

ClinVar aggregate classification (germline): Uncertain significance (1 of 4 stars; one submission).

gnomAD v4.1: 1 of 1,612,840 alleles (0.000062%); no homozygotes.

Submission:

Labcorp Genetics (formerly Invitae), Labcorp
Classification: Uncertain significance. Last evaluated: 2024-06-25. Review status: criteria provided, single submitter. Criteria: Invitae Variant Classification Sherloc (09022015). Collection method: clinical testing. Allele origin: germline.
Comment: This sequence change falls in intron 35 of the POLE gene. It does not directly change the encoded amino acid sequence of the POLE protein. It affects a nucleotide within the consensus splice site. This variant is not present in population databases (gnomAD no frequency). This variant has not been reported in the literature in individuals affected with POLE-related conditions. Variants that disrupt the consensus splice site are a relatively common cause of aberrant splicing (PMID: 17576681, 9536098). Algorithms developed to predict the effect of sequence changes on RNA splicing suggest that this variant may disrupt the consensus splice site. In summary, the available evidence is currently insufficient to determine the role of this variant in disease. Therefore, it has been classified as a Variant of Uncertain Significance.

Literature cited by the submitters: PubMed 17576681; PubMed 9536098.